The following is an entry in ClinVar:

ClinVar aggregate classification (germline): Likely benign (1 of 4 stars; one submission).

gnomAD v4.1: 11 of 1,614,058 alleles (0.00068%); highest among the groups gnomAD compares: Admixed American, 0.018%; no homozygotes.

Submission:

CeGaT Center for Human Genetics Tuebingen
Classification: Likely benign. Last evaluated: 2026-01-01. Review status: criteria provided, single submitter. Criteria: CeGaT Center For Human Genetics Tuebingen Variant Classification Criteria Version 2. Collection method: clinical testing. Allele origin: germline. Affected: yes. Observed: 1 variant allele.
Comment: SEMA4D: BP4, BP7

NM_001371194.2(SEMA4D):c.2415G>A (p.Glu805=)

Gene: SEMA4D (semaphorin 4D; minus strand). Cytogenetic location: 9q22.2.
Variant type: single nucleotide variant.
Coding change: c.2415G>A on transcript NM_001371194.2 (MANE Select); coding-DNA position 2415, G replaced by A.
Protein change: p.Glu805=; no amino-acid change (glutamic acid 805 retained).
Molecular consequence: synonymous variant. On other transcripts: intron variant (6).
Genome position (GRCh38, 1-based): chr9:89,378,878, C>T on the plus strand (G>A on the coding strand, the complement: SEMA4D is on the minus strand). VCF-style: chr9-89378878-C-T. GRCh37 (hg19) VCF-style: chr9-91993793-C-T.
Other names: c.2415G>A, p.Glu805= (NM_001371195.1, NM_001371196.1, NM_001371197.1 and 1 more transcripts); c.1664-1827G>A (NM_001371198.1, NM_001371201.1, NM_001371202.1 and 3 more transcripts).
Identifiers: ClinVar variation 4822255 (VCV004822255.4).